The following is an entry in ClinVar:

NM_000435.3(NOTCH3):c.5694C>T (p.Asp1898=)

Gene: NOTCH3 (notch receptor 3; minus strand). Cytogenetic location: 19p13.12.
Variant type: single nucleotide variant.
Coding change: c.5694C>T on transcript NM_000435.3 (MANE Select); coding-DNA position 5694, C replaced by T.
Protein change: p.Asp1898=; no amino-acid change (aspartic acid 1898 retained).
Molecular consequence: synonymous variant.
Genome position (GRCh38, 1-based): chr19:15,165,489, G>A on the plus strand (C>T on the coding strand, the complement: NOTCH3 is on the minus strand). VCF-style: chr19-15165489-G-A. GRCh37 (hg19) VCF-style: chr19-15276300-G-A.
Identifiers: ClinVar variation 1675729 (VCV001675729.33), dbSNP rs753245814, ClinGen allele CA9262560.

ClinVar aggregate classification (germline): Uncertain significance (1 of 4 stars; one submission).

Allele frequency attached by ClinVar (database versions not stated): gnomAD exomes below 0.00001; ExAC 0.00001.
gnomAD v4.1: 3 of 1,612,922 alleles (0.00019%); highest among the groups gnomAD compares: Non-Finnish European, 0.00025%; no homozygotes.

Submission:

CeGaT Center for Human Genetics Tuebingen
Classification: Uncertain significance. Last evaluated: 2022-03-01. Review status: criteria provided, single submitter. Criteria: CeGaT Center For Human Genetics Tuebingen Variant Classification Criteria Version 2. Collection method: clinical testing. Allele origin: germline. Affected: yes. Observed: 1 variant allele.
Comment: NOTCH3: PM2:Supporting, BP4